The following is an entry in ClinVar:

NM_001256545.2(MEGF10):c.2870A>G (p.Gln957Arg)

Gene: MEGF10 (multiple EGF like domains 10; plus strand). Cytogenetic location: 5q23.2.
Variant type: single nucleotide variant.
Coding change: c.2870A>G on transcript NM_001256545.2 (MANE Select); coding-DNA position 2870, A replaced by G.
Protein change: p.Gln957Arg; replaces glutamine 957 with arginine.
Molecular consequence: missense variant.
Genome position (GRCh38, 1-based): chr5:127,449,112, A>G. VCF-style: chr5-127449112-A-G. GRCh37 (hg19) VCF-style: chr5-126784804-A-G.
Other names: c.2870A>G, p.Gln957Arg (NM_032446.3); short protein forms Q957R.
Identifiers: ClinVar variation 1056248 (VCV001056248.9), dbSNP rs1766057687, ClinGen allele CA360735362.

ClinVar aggregate classification (germline): Uncertain significance (1 of 4 stars; one submission).

Conditions:
MEGF10-related myopathy (CMYO10A). Also called: Congenital myopathy 10A, severe variant. Identifiers: Orphanet 439212, MedGen C3280679, MONDO:0013731, OMIM 614399.

Allele frequency attached by ClinVar (database versions not stated): gnomAD exomes below 0.00001.
gnomAD v4.1: 4 of 1,614,098 alleles (0.00025%); highest among the groups gnomAD compares: Non-Finnish European, 0.00034%; no homozygotes.

Submission:

Labcorp Genetics (formerly Invitae), Labcorp
Classification: Uncertain significance for MEGF10-related myopathy. Last evaluated: 2020-09-07. Review status: criteria provided, single submitter. Criteria: Invitae Variant Classification Sherloc (09022015). Collection method: clinical testing. Allele origin: germline.
Comment: This variant is not present in population databases (ExAC no frequency). In summary, the available evidence is currently insufficient to determine the role of this variant in disease. Therefore, it has been classified as a Variant of Uncertain Significance. Algorithms developed to predict the effect of missense changes on protein structure and function are either unavailable or do not agree on the potential impact of this missense change (SIFT: "Deleterious"; PolyPhen-2: "Possibly Damaging"; Align-GVGD: "Class C0"). This variant has not been reported in the literature in individuals with MEGF10-related conditions. This sequence change replaces glutamine with arginine at codon 957 of the MEGF10 protein (p.Gln957Arg). The glutamine residue is highly conserved and there is a small physicochemical difference between glutamine and arginine.